The following is an entry in ClinVar:

NM_133642.5(LARGE1):c.247C>T (p.Leu83Phe)

Gene: LARGE1 (LARGE xylosyl- and glucuronyltransferase 1; minus strand). Cytogenetic location: 22q12.3.
Variant type: single nucleotide variant.
Coding change: c.247C>T on transcript NM_133642.5 (MANE Select); coding-DNA position 247, C replaced by T.
Protein change: p.Leu83Phe; replaces leucine 83 with phenylalanine.
Molecular consequence: missense variant.
Genome position (GRCh38, 1-based): chr22:33,650,528, G>A on the plus strand (C>T on the coding strand, the complement: LARGE1 is on the minus strand). VCF-style: chr22-33650528-G-A. GRCh37 (hg19) VCF-style: chr22-34046514-G-A.
Other names: c.247C>T, p.Leu83Phe (NM_001362949.2, NM_001362951.2, NM_001362953.2 and 7 more transcripts); c.247C>T (NM_004737.4); short protein forms L83F.
Identifiers: ClinVar variation 1506583 (VCV001506583.5), dbSNP rs748795300, ClinGen allele CA10203111.

ClinVar aggregate classification (germline): Uncertain significance. Review status: criteria provided, multiple submitters, no conflicts (2 of 4 stars). 3 submissions from 3 submitters: Uncertain significance (3). Last evaluated 2025-12-15.

Conditions:
Inborn genetic diseases. Identifiers: MedGen C0950123, MeSH D030342.
Muscular dystrophy-dystroglycanopathy type B6 (MDDGB6). Also called: MUSCULAR DYSTROPHY-DYSTROGLYCANOPATHY (CONGENITAL WITH IMPAIRED INTELLECTUAL DEVELOPMENT), TYPE B, 6; MUSCULAR DYSTROPHY, CONGENITAL, LARGE-RELATED; MUSCULAR DYSTROPHY, CONGENITAL, TYPE 1D. Identifiers: MedGen C1837229, MONDO:0012138, OMIM 608840.

Allele frequency attached by ClinVar (database versions not stated): gnomAD exomes below 0.00001 and 0.00002; ExAC 0.00001; gnomAD 0.00001.

Submissions (3):

Ambry Genetics
Classification: Uncertain significance for Inborn genetic diseases. Last evaluated: 2025-12-15. Review status: criteria provided, single submitter. Criteria: Ambry Variant Classification Scheme 2023. Collection method: clinical testing. Allele origin: germline.

GeneDx
Classification: Uncertain significance. Last evaluated: 2023-05-24. Review status: criteria provided, single submitter. Criteria: GeneDx Variant Classification Process June 2021. Collection method: clinical testing. Allele origin: germline. Affected: yes.
Comment: Not observed at significant frequency in large population cohorts (gnomAD); In silico analysis supports that this missense variant has a deleterious effect on protein structure/function; Has not been previously published as pathogenic or benign to our knowledge; This variant is associated with the following publications: (PMID: 25279699, 24709677)

Labcorp Genetics (formerly Invitae), Labcorp
Classification: Uncertain significance for Muscular dystrophy-dystroglycanopathy type B6. Last evaluated: 2022-03-29. Review status: criteria provided, single submitter. Criteria: Invitae Variant Classification Sherloc (09022015). Collection method: clinical testing. Allele origin: germline.
Comment: This sequence change replaces leucine, which is neutral and non-polar, with phenylalanine, which is neutral and non-polar, at codon 83 of the LARGE1 protein (p.Leu83Phe). This variant is present in population databases (rs748795300, gnomAD 0.0009%). This variant has not been reported in the literature in individuals affected with LARGE1-related conditions. Algorithms developed to predict the effect of missense changes on protein structure and function are either unavailable or do not agree on the potential impact of this missense change (SIFT: "Deleterious"; PolyPhen-2: "Possibly Damaging"; Align-GVGD: "Class C0"). In summary, the available evidence is currently insufficient to determine the role of this variant in disease. Therefore, it has been classified as a Variant of Uncertain Significance.